The following is an entry in ClinVar:

NM_017514.5(PLXNA3):c.366C>T (p.Phe122=)

Gene: PLXNA3 (plexin A3; plus strand). Cytogenetic location: Xq28.
Variant type: single nucleotide variant.
Coding change: c.366C>T on transcript NM_017514.5 (MANE Select); coding-DNA position 366, C replaced by T.
Protein change: p.Phe122=; no amino-acid change (phenylalanine 122 retained).
Molecular consequence: synonymous variant.
Genome position (GRCh38, 1-based): chrX:154,460,549, C>T. VCF-style: chrX-154460549-C-T. GRCh37 (hg19) VCF-style: chrX-153688889-C-T.
Identifiers: ClinVar variation 4987321 (VCV004987321.1).

ClinVar aggregate classification (germline): Likely benign (1 of 4 stars; one submission).

Conditions:
PLXNA3-related disorder. Also called: PLXNA3-related condition.

gnomAD v4.1: 7 of 1,210,049 alleles (0.00058%); highest among the groups gnomAD compares: South Asian, 0.011%; no homozygotes.

Submission:

PreventionGenetics, part of Exact Sciences
Classification: Likely benign for PLXNA3-related condition. Last evaluated: 2026-08-07. Review status: criteria provided, single submitter. Criteria: ACMG Guidelines, 2015. Collection method: clinical testing. Allele origin: germline.
Comment: This variant is classified as likely benign based on ACMG/AMP sequence variant interpretation guidelines (Richards et al. 2015 PMID: 25741868, with internal and published modifications).